The following is an entry in ClinVar:

NM_182643.3(DLC1):c.*10C>G

Gene: DLC1 (DLC1 Rho GTPase activating protein; minus strand). Cytogenetic location: 8p22.
Variant type: single nucleotide variant.
Coding change: c.*10C>G on transcript NM_182643.3 (MANE Select); 10 bases downstream of the stop codon, C replaced by G.
Molecular consequence: 3 prime UTR variant. On other transcripts: intron variant (2).
Genome position (GRCh38, 1-based): chr8:13,085,801, G>C on the plus strand (C>G on the coding strand, the complement: DLC1 is on the minus strand). VCF-style: chr8-13085801-G-C. GRCh37 (hg19) VCF-style: chr8-12943310-G-C.
Other names: c.*10C>G (NM_001164271.2, NM_001316668.2, NM_001348081.2 and 17 more transcripts); c.2764-1939C>G (NM_001413139.1); c.3272+14C>G (NM_001413135.1).
Identifiers: ClinVar variation 3041217 (VCV003041217.2), dbSNP rs370230812, ClinGen allele CA4637864.

ClinVar aggregate classification (germline): Likely benign (0 of 4 stars; one submission).

Conditions:
DLC1-related disorder. Also called: DLC1-related condition.

Allele frequency attached by ClinVar (database versions not stated): gnomAD exomes 0.00005; gnomAD 0.00007; TOPMed 0.00015; 1000 Genomes Project 30x 0.00016; 1000 Genomes Project 0.00020; ExAC 0.00029.
gnomAD v4.1: 136 of 1,614,078 alleles (0.0084%); highest among the groups gnomAD compares: East Asian, 0.17%; 1 homozygote.

Submission:

PreventionGenetics, part of Exact Sciences
Classification: Likely benign for DLC1-related condition. Last evaluated: 2021-09-08. Review status: no assertion criteria provided. Collection method: clinical testing. Allele origin: germline.
Comment: This variant is classified as likely benign based on ACMG/AMP sequence variant interpretation guidelines (Richards et al. 2015 PMID: 25741868, with internal and published modifications).